The following is an entry in ClinVar:

ClinVar aggregate classification (germline): Pathogenic/Likely pathogenic. Review status: criteria provided, multiple submitters, no conflicts (2 of 4 stars). 53 submissions from 51 submitters: Pathogenic (38); Likely pathogenic (3). 12 of the submissions do not count toward it. Last evaluated 2026-07-17.

Conditions:
Inherited phaeochromocytoma and paraganglioma excluding NF1.
Neurodegeneration with ataxia and late-onset optic atrophy. Identifiers: MedGen C5543254, MONDO:0031006, OMIM 619259.
Mitochondrial complex II deficiency, nuclear type 1. Also called: SUCCINATE CoQ REDUCTASE DEFICIENCY. Identifiers: Orphanet 3208, MedGen C5700310, MONDO:0100294, OMIM 252011.
Dilated cardiomyopathy 1GG (CMD1GG). Identifiers: Orphanet 154, MedGen C3150898, MONDO:0013339, OMIM 613642.
Pheochromocytoma/paraganglioma syndrome 5. Also called: Paragangliomas 5; SDHA-Related Hereditary Paraganglioma-Pheochromocytoma Syndrome. Identifiers: Orphanet 29072, MedGen C3279992, MONDO:0013602, OMIM 614165.
SDHA-related disorder. Also called: SDHA-related condition; SDHA-related disorders.
Carney triad. Also called: GASTRIC LEIOMYOSARCOMA, PULMONARY CHONDROMA, AND EXTRAADRENAL PARAGANGLIOMA. Identifiers: Orphanet 139411, MedGen C1858592, MONDO:0011424, OMIM 604287.
Rhabdomyosarcoma. Also called: Rhabdomyosarcoma (disease). Identifiers: Orphanet 780, MedGen C0035412, MeSH D012208, MONDO:0005212, HP:0002859.
Hereditary cancer-predisposing syndrome. Also called: Tumor predisposition; Hereditary neoplastic syndrome; Hereditary Cancer Syndrome; Neoplastic Syndromes, Hereditary. Identifiers: Orphanet 140162, MedGen C0027672, MeSH D009386, MONDO:0015356.
Gastrointestinal stromal tumor. Also called: Gastrointestinal stromal tumor, somatic; Gastrointestinal stroma tumor. Identifiers: Orphanet 44890, MedGen C0238198, MeSH D046152, MONDO:0011719, OMIM 606764, HP:0100723.
Hereditary pheochromocytoma and paraganglioma. Also called: Hereditary Paraganglioma-Pheochromocytoma Syndromes; Hereditary paragangliomas and pheochromocytomas; Hereditary pheochromocytoma-paraganglioma. Identifiers: Orphanet 29072, MedGen C4274332, MONDO:0017366.
Pilocytic astrocytoma. Also called: Pilocytic astrocytoma, somatic. Identifiers: Orphanet 251612, MedGen C0334583, MONDO:0016691, HP:0033680.
Leigh syndrome (NULS). Also called: Leigh Disease; LEIGH SYNDROME, NUCLEAR; Leigh Syndrome (mtDNA deletion); Leigh's necrotizing encephalopathy; Leigh's disease; Leigh's syndrome. Identifiers: Orphanet 506, MedGen C2931891, MONDO:0009723, OMIM 256000.
Intellectual disability. Also called: Intellectual developmental disorder; Intellectual functioning disability; intellectual disabilities. Identifiers: MedGen C3714756, MeSH D008607, MONDO:0001071, HP:0001249.

Allele frequency attached by ClinVar (database versions not stated): ESP Exome Variant Server 0.00015; ExAC 0.00016; TOPMed 0.00019; gnomAD exomes 0.00020 and 0.00043; gnomAD 0.00025.
gnomAD v4.1: 651 of 1,613,500 alleles (0.04%); highest among the groups gnomAD compares: Non-Finnish European, 0.053%; no homozygotes.

Submissions 1 to 6 of 53:

PreventionGenetics, part of Exact Sciences
Classification: Pathogenic for SDHA-related condition. Last evaluated: 2026-07-17. Review status: criteria provided, single submitter. Criteria: ACMG Guidelines, 2015. Collection method: clinical testing. Allele origin: germline.
Comment: The SDHA c.91C>T variant is predicted to result in premature protein termination (p.Arg31*). This variant has been reported in individuals with paragangliomas/pheochromocytomas, gastrointestinal stromal tumors, and pulmonary chondromas (Pantaleo et al. 2011. PubMed ID: 21505157; Korpershoek et al. 2011. PubMed ID: 21752896; Wagner et al. 2013. PubMed ID: 22955521; Boikos et al. 2016. PubMed ID: 26173966). Note that penetrance for this disorder is incomplete (see, for example, Else et al. 2018. PubMed ID: 20301715). This variant is reported in 0.041% of alleles in individuals of European (Non-Finnish) descent in gnomAD. In ClinVar, this variant has been reported as likely pathogenic/pathogenic by multiple laboratories (Variation ID: 142601). In summary, we interpret this variant as pathogenic.

CeGaT Center for Human Genetics Tuebingen
Classification: Pathogenic. Last evaluated: 2026-06-01. Review status: criteria provided, single submitter. Criteria: CeGaT Center For Human Genetics Tuebingen Variant Classification Criteria Version 2. Collection method: clinical testing. Allele origin: germline. Affected: yes. Observed: 14 variant alleles.
Comment: SDHA: PVS1, PP1:Strong

Labcorp Genetics (formerly Invitae), Labcorp
Classification: Pathogenic for Pheochromocytoma/paraganglioma syndrome 5; Mitochondrial complex II deficiency, nuclear type 1. Last evaluated: 2026-02-03. Review status: criteria provided, single submitter. Criteria: Invitae Variant Classification Sherloc (09022015). Collection method: clinical testing. Allele origin: germline.
Comment: This sequence change creates a premature translational stop signal (p.Arg31*) in the SDHA gene. It is expected to result in an absent or disrupted protein product. Loss-of-function variants in SDHA are known to be pathogenic (PMID: 22974104, 24781757). This variant is present in population databases (rs142441643, gnomAD 0.04%). This premature translational stop signal has been observed in individual(s) with gastrointestinal stromal tumors (GIST), paragangliomas (PGL), pheochromocytomas (PCC), Carney triad and autosomal-recessive complex II deficiency (PMID: 21505157, 21752896, 22955521, 23174939, 23666964, 24781757, 25494863, 26173966, 26259135). ClinVar contains an entry for this variant (Variation ID: 142601). For these reasons, this variant has been classified as Pathogenic.

NHS Central & South Genomic Laboratory Hub
Classification: Pathogenic for Inherited phaeochromocytoma and paraganglioma excluding NF1. Last evaluated: 2025-10-21. Review status: criteria provided, single submitter. Criteria: ACMG Guidelines, 2015. Collection method: clinical testing. Allele origin: germline. Affected: yes.

Institute of Human Genetics, University of Leipzig Medical Center
Classification: Pathogenic for Gastrointestinal stromal tumor. Last evaluated: 2025-09-19. Review status: criteria provided, single submitter. Criteria: ACMG Guidelines, 2015. Collection method: clinical testing. Allele origin: unknown. Inheritance: Autosomal dominant inheritance. Affected: yes.
Comment: Criteria applied: PVS1,PS3_MOD,PS4_MOD

Laboratorio de I+D, Fundación Centro Médico de Asturias
Classification: Likely pathogenic for Hereditary pheochromocytoma and paraganglioma. Last evaluated: 2025-07-14. Review status: criteria provided, single submitter. Criteria: ACMG Guidelines, 2015. Collection method: clinical testing. Allele origin: germline. Affected: yes.
Comment: PVS1+PM2_Supporting

NM_004168.4(SDHA):c.91C>T (p.Arg31Ter)

Gene: SDHA (succinate dehydrogenase complex flavoprotein subunit A; plus strand). Cytogenetic location: 5p15.33.
Variant type: single nucleotide variant.
Coding change: c.91C>T on transcript NM_004168.4 (MANE Select); coding-DNA position 91, C replaced by T.
Protein change: p.Arg31Ter; replaces arginine 31 with a stop codon.
Molecular consequence: nonsense.
Genome position (GRCh38, 1-based): chr5:223,509, C>T. VCF-style: chr5-223509-C-T. GRCh37 (hg19) VCF-style: chr5-223624-C-T.
Other names: p.R31X; c.91C>T, p.Arg31Ter (NM_001294332.2, NM_001330758.2); short protein forms R31*.
Identifiers: ClinVar variation 142601 (VCV000142601.119), dbSNP rs142441643, ClinGen allele CA168793.